The following is an entry in ClinVar:

NM_001130698.2(TRPC3):c.878G>A (p.Gly293Glu)

Gene: TRPC3 (transient receptor potential cation channel subfamily C member 3; minus strand). Cytogenetic location: 4q27.
Variant type: single nucleotide variant.
Coding change: c.878G>A on transcript NM_001130698.2 (MANE Select); coding-DNA position 878, G replaced by A.
Protein change: p.Gly293Glu; replaces glycine 293 with glutamic acid.
Molecular consequence: missense variant.
Genome position (GRCh38, 1-based): chr4:121,932,380, C>T on the plus strand (G>A on the coding strand, the complement: TRPC3 is on the minus strand). VCF-style: chr4-121932380-C-T. GRCh37 (hg19) VCF-style: chr4-122853535-C-T.
Other names: c.878G>A, p.Gly293Glu (NM_001366479.2); c.659G>A, p.Gly220Glu (NM_003305.2); short protein forms G220E, G293E.
Identifiers: ClinVar variation 2827916 (VCV002827916.3), dbSNP rs35202276, ClinGen allele CA104742863.

ClinVar aggregate classification (germline): Uncertain significance (1 of 4 stars; one submission).

Allele frequency attached by ClinVar (database versions not stated): gnomAD exomes 0.00001.
gnomAD v4.1: 11 of 1,614,138 alleles (0.00068%); highest among the groups gnomAD compares: Non-Finnish European, 0.00093%; no homozygotes.

Submission:

Labcorp Genetics (formerly Invitae), Labcorp
Classification: Uncertain significance. Last evaluated: 2023-06-16. Review status: criteria provided, single submitter. Criteria: Invitae Variant Classification Sherloc (09022015). Collection method: clinical testing. Allele origin: germline.
Comment: In summary, the available evidence is currently insufficient to determine the role of this variant in disease. Therefore, it has been classified as a Variant of Uncertain Significance. Advanced modeling of protein sequence and biophysical properties (such as structural, functional, and spatial information, amino acid conservation, physicochemical variation, residue mobility, and thermodynamic stability) performed at Invitae indicates that this missense variant is expected to disrupt TRPC3 protein function. This variant has not been reported in the literature in individuals affected with TRPC3-related conditions. This variant is not present in population databases (gnomAD no frequency). This sequence change replaces glycine, which is neutral and non-polar, with glutamic acid, which is acidic and polar, at codon 293 of the TRPC3 protein (p.Gly293Glu).